The following is an entry in ClinVar:

GRCh38/hg38 15q13.2-13.3(chr15:30812018-32135483)x1

Genes: CHRNA7 (cholinergic receptor nicotinic alpha 7 subunit), FAN1 (FANCD2 and FANCI associated nuclease 1; plus strand), KLF13 (KLF transcription factor 13; plus strand), LINC02352 (long intergenic non-protein coding RNA 2352; plus strand), LINC03034 (long intergenic non-protein coding RNA 3034; minus strand) and 20 more. Cytogenetic location: 15q13.2-13.3.
Variant type: copy number gain.
Change: copy number 1 (one copy instead of two) of chr15:30,812,018-32,135,483 (1.32 Mb, GRCh38 coordinates, 1-based), cytogenetic band 15q13.2-13.3.
Identifiers: ClinVar variation 4796245 (VCV004796245.1).

ClinVar aggregate classification (germline): Uncertain significance (1 of 4 stars; one submission).

Submission:

Medical Genetic Center, Changzhi Maternal and Child Health Care Hospital
Classification: Uncertain significance. Last evaluated: 2025-12-10. Review status: criteria provided, single submitter. Criteria: ACMG/ClinGen CNV Guidelines, 2019. Collection method: clinical testing. Allele origin: unknown.
Comment: Xp22.31 deletion carriers